The following is an entry in ClinVar:

NM_030962.4(SBF2):c.1711-158dup

Gene: SBF2 (SET binding factor 2; minus strand). Cytogenetic location: 11p15.4.
Variant type: Duplication.
Coding change: c.1711-158dup on transcript NM_030962.4 (MANE Select); 158 bases into the intron before coding-DNA position 1711, one base duplicated (G; older notation c.1711-158dupG).
Molecular consequence: intron variant.
Genome position (GRCh38, 1-based): chr11:9,962,264, C duplicated on the plus strand (G on the coding strand, the reverse complement: SBF2 is on the minus strand). VCF-style (leftmost placement, unchanged base first): chr11-9962263-A-AC. GRCh37 (hg19) VCF-style: chr11-9983810-A-AC.
Other names: c.1582-158dup (NM_001386342.1); c.1711-158dup (NM_001386339.1); c.1711-158dupG (NM_030962.3).
Identifiers: ClinVar variation 669257 (VCV000669257.1), dbSNP rs35824679, ClinGen allele CA217662636.

ClinVar aggregate classification (germline): Benign (1 of 4 stars; one submission).

Allele frequency attached by ClinVar (database versions not stated): 1000 Genomes Project 30x 0.50375; 1000 Genomes Project 0.50659; gnomAD 0.50850 and 0.51304; TOPMed 0.51115.

Submission:

GeneDx
Classification: Benign. Last evaluated: 2018-06-14. Review status: criteria provided, single submitter. Criteria: GeneDx Variant Classification (06012015). Collection method: clinical testing. Allele origin: germline. Affected: yes.
Comment: This variant is considered likely benign or benign based on one or more of the following criteria: it is a conservative change, it occurs at a poorly conserved position in the protein, it is predicted to be benign by multiple in silico algorithms, and/or has population frequency not consistent with disease.